The following is an entry in ClinVar:

NM_001018077.1(NR3C1):c.-616T>G

Gene: NR3C1 (nuclear receptor subfamily 3 group C member 1; minus strand). Cytogenetic location: 5q31.3.
Variant type: single nucleotide variant.
Coding change: c.-616T>G on transcript NM_001018077.1; 616 bases upstream of the start codon, T replaced by G.
Molecular consequence: 5 prime UTR variant. On other transcripts: intron variant (2).
Genome position (GRCh38, 1-based): chr5:143,435,134, A>C on the plus strand (T>G on the coding strand, the complement: NR3C1 is on the minus strand). VCF-style: chr5-143435134-A-C. GRCh37 (hg19) VCF-style: chr5-142814699-A-C.
Other names: c.-14+167T>G (NM_001018075.1); c.-14+70T>G (NM_001018074.1).
Identifiers: ClinVar variation 905079 (VCV000905079.6), dbSNP rs61757434, ClinGen allele CA129268590.

ClinVar aggregate classification (germline): Likely benign (1 of 4 stars; one submission).

Conditions:
Glucocorticoid resistance. Also called: Glucocorticoid resistance, generalized; Gccr deficiency; Glucocorticoid receptor deficiency; Cortisol resistance from glucocorticoid receptor defect; Gcr deficiency. Identifiers: Orphanet 786, MedGen C1841972, MONDO:0014421, OMIM 615962.

Allele frequency attached by ClinVar (database versions not stated): gnomAD 0.00254 and 0.00276; gnomAD exomes 0.00015; TOPMed 0.00315; 1000 Genomes Project 0.00479; 1000 Genomes Project 30x 0.00453.
gnomAD v4.1: 557 of 985,398 alleles (0.057%); highest among the groups gnomAD compares: Admixed American, 1.6%; 5 homozygotes.

Submission:

Illumina Laboratory Services, Illumina
Classification: Likely benign for Glucocorticoid resistance. Last evaluated: 2018-01-13. Review status: criteria provided, single submitter. Criteria: ICSL Variant Classification Criteria 13 December 2019. Collection method: clinical testing. Allele origin: germline.
Comment: This variant was observed in the ICSL laboratory as part of a predisposition screen in an ostensibly healthy population. It had not been previously curated by ICSL or reported in the Human Gene Mutation Database (HGMD: prior to June 1st, 2018), and was therefore a candidate for classification through an automated scoring system. Utilizing variant allele frequency, disease prevalence and penetrance estimates, and inheritance mode, an automated score was calculated to assess if this variant is too frequent to cause the disease. Based on the score and internal cut-off values, a variant classified as likely benign is not then subjected to further curation. The score for this variant resulted in a classification of likely benign for this disease.